The following is an entry in ClinVar:

NM_001080414.4(CCDC88C):c.2416C>T (p.Leu806Phe)

Gene: CCDC88C (coiled-coil domain containing 88C; minus strand). Cytogenetic location: 14q32.11.
Variant type: single nucleotide variant.
Coding change: c.2416C>T on transcript NM_001080414.4 (MANE Select); coding-DNA position 2416, C replaced by T.
Protein change: p.Leu806Phe; replaces leucine 806 with phenylalanine.
Molecular consequence: missense variant.
Genome position (GRCh38, 1-based): chr14:91,313,400, G>A on the plus strand (C>T on the coding strand, the complement: CCDC88C is on the minus strand). VCF-style: chr14-91313400-G-A. GRCh37 (hg19) VCF-style: chr14-91779744-G-A.
Other names: c.2416C>T (NM_001080414.3); short protein forms L806F.
Identifiers: ClinVar variation 2637863 (VCV002637863.2), dbSNP rs776061990, ClinGen allele CA7309658.

ClinVar aggregate classification (germline): Uncertain significance. Review status: criteria provided, multiple submitters, no conflicts (2 of 4 stars). 2 submissions from 2 submitters: Uncertain significance (2). Last evaluated 2024-05-20.

Conditions:
Inborn genetic diseases. Identifiers: MedGen C0950123, MeSH D030342.

Allele frequency attached by ClinVar (database versions not stated): ExAC 0.00002; TOPMed 0.00003; gnomAD 0.00004.
gnomAD v4.1: 88 of 1,608,202 alleles (0.0055%); highest among the groups gnomAD compares: Non-Finnish European, 0.0071%; no homozygotes.

Submissions (2):

Ambry Genetics
Classification: Uncertain significance for Inborn genetic diseases. Last evaluated: 2024-05-20. Review status: criteria provided, single submitter. Criteria: Ambry Variant Classification Scheme 2023. Collection method: clinical testing. Allele origin: germline.

Women's Health and Genetics/Laboratory Corporation of America, LabCorp
Classification: Uncertain significance. Last evaluated: 2023-10-23. Review status: criteria provided, single submitter. Criteria: LabCorp Variant Classification Summary - May 2015. Collection method: clinical testing. Allele origin: germline.
Comment: Variant summary: CCDC88C c.2416C>T (p.Leu806Phe) results in a non-conservative amino acid change in the encoded protein sequence. Three of five in-silico tools predict a damaging effect of the variant on protein function. The variant allele was found at a frequency of 1.2e-05 in 240672 control chromosomes (gnomAD). The available data on variant occurrences in the general population are insufficient to allow any conclusion about variant significance. To our knowledge, no occurrence of c.2416C>T in individuals affected with CCDC88C-Related Disorders and no experimental evidence demonstrating its impact on protein function have been reported. No submitters have cited clinical-significance assessments for this variant to ClinVar after 2014. Based on the evidence outlined above, the variant was classified as uncertain significance.